The following is an entry in ClinVar:

NM_018714.3(COG1):c.1487del (p.Gly496fs)

Gene: COG1 (component of oligomeric golgi complex 1; plus strand). Cytogenetic location: 17q25.1.
Variant type: Deletion.
Coding change: c.1487del on transcript NM_018714.3 (MANE Select); coding-DNA position 1487, one base deleted (G; older notation c.1487delG).
Protein change: p.Gly496fs; shifts the reading frame from glycine 496.
Molecular consequence: frameshift variant.
Genome position (GRCh38, 1-based): chr17:73,201,314, G deleted; the last of 4 consecutive G bases (chr17:73,201,311-73,201,314); deleting any one gives the same sequence. VCF-style (leftmost placement, unchanged base first): chr17-73201310-CG-C. GRCh37 (hg19) VCF-style: chr17-71197449-CG-C.
Other names: short protein forms G496fs.
Identifiers: ClinVar variation 4780564 (VCV004780564.1).

ClinVar aggregate classification (germline): Pathogenic (1 of 4 stars; one submission).

Conditions:
COG1 congenital disorder of glycosylation (CDG2G). Also called: CONGENITAL DISORDER OF GLYCOSYLATION, TYPE IIg; CDG IIg; CDGII/COG1 CEREBROCOSTOMANDIBULAR-LIKE SYNDROME. Identifiers: Orphanet 263508, MedGen C2931011, MONDO:0012637, OMIM 611209.

Submission:

Labcorp Genetics (formerly Invitae), Labcorp
Classification: Pathogenic for COG1 congenital disorder of glycosylation. Last evaluated: 2025-07-22. Review status: criteria provided, single submitter. Criteria: Invitae Variant Classification Sherloc (09022015). Collection method: clinical testing. Allele origin: germline.
Comment: This sequence change creates a premature translational stop signal (p.Gly496Valfs*10) in the COG1 gene. It is expected to result in an absent or disrupted protein product. Loss-of-function variants in COG1 are known to be pathogenic (PMID: 16537452). This variant is present in population databases (no rsID available, gnomAD 0.01%). This variant has not been reported in the literature in individuals affected with COG1-related conditions. For these reasons, this variant has been classified as Pathogenic.

Literature cited by the submitters: PubMed 16537452.